The following is an entry in ClinVar:

NM_001854.4(COL11A1):c.4561G>A (p.Ala1521Thr)

Gene: COL11A1 (collagen type XI alpha 1 chain; minus strand). Cytogenetic location: 1p21.1.
Variant type: single nucleotide variant.
Coding change: c.4561G>A on transcript NM_001854.4 (MANE Select); coding-DNA position 4561, G replaced by A.
Protein change: p.Ala1521Thr; replaces alanine 1521 with threonine.
Molecular consequence: missense variant. On other transcripts: non-coding transcript variant (1).
Genome position (GRCh38, 1-based): chr1:102,888,624, C>T on the plus strand (G>A on the coding strand, the complement: COL11A1 is on the minus strand). VCF-style: chr1-102888624-C-T. GRCh37 (hg19) VCF-style: chr1-103354180-C-T.
Other names: c.4444G>A, p.Ala1482Thr (NM_001190709.2); c.4597G>A, p.Ala1533Thr (NM_080629.3); c.4213G>A, p.Ala1405Thr (NM_080630.4); c.4561G>A (NM_001854.3); short protein forms A1482T, A1521T, A1533T, A1405T.
Identifiers: ClinVar variation 1437476 (VCV001437476.13), dbSNP rs769920499, ClinGen allele CA973477.
Genomic context (GRCh38, chr1:102,888,624, plus strand): 5'-AACATATACTTACTGGAGACCCAGGAGGCCCTGGAAGACCACTGTCACCTTTCTGGCCAG[C>T]GGGTCCCTGTTAGAAAGAAGAGAGAGGACATAAATAAAGAAGAGGCAATTAAATAGGTTT-3'
Protein context (NP_001845.3, residues 1511-1531): PKGNKGSTGP[Ala1521Thr]GQKGDSGLPG

ClinVar aggregate classification (germline): Conflicting classifications of pathogenicity. Review status: criteria provided, conflicting classifications (1 of 4 stars). 4 submissions from 4 submitters: Uncertain significance (1); Benign (1); Likely benign (1). 1 of the submissions does not count toward it. Last evaluated 2025-04-04.

Conditions:
COL11A1-related disorder. Also called: COL11A1-related condition; COL11A1-related disorders.

Allele frequency attached by ClinVar (database versions not stated): ExAC 0.00001; gnomAD 0.00002 and 0.00003; gnomAD exomes 0.00002; TOPMed 0.00003.
gnomAD v4.1: 30 of 1,613,524 alleles (0.0019%); highest among the groups gnomAD compares: Admixed American, 0.0083%; no homozygotes.

Submissions (4):

GeneDx
Classification: Uncertain significance. Last evaluated: 2025-04-04. Review status: criteria provided, single submitter. Criteria: GeneDx Variant Classification Process June 2021. Collection method: clinical testing. Allele origin: germline.
Comment: In silico analysis indicates that this missense variant does not alter protein structure/function; Has not been previously published as pathogenic or benign to our knowledge

Labcorp Genetics (formerly Invitae), Labcorp
Classification: Benign. Last evaluated: 2023-02-08. Review status: criteria provided, single submitter. Criteria: Invitae Variant Classification Sherloc (09022015). Collection method: clinical testing. Allele origin: germline.

Blueprint Genetics
Classification: Likely benign. Last evaluated: 2022-12-20. Review status: criteria provided, single submitter. Criteria: ACMG Guidelines, 2015. Collection method: clinical testing. Allele origin: germline.

PreventionGenetics, part of Exact Sciences
Classification: Uncertain significance for COL11A1-related condition. Last evaluated: 2024-09-25. Review status: no assertion criteria provided. Collection method: clinical testing. Allele origin: germline. Not counted in ClinVar's aggregate classification.
Comment: The COL11A1 c.4561G>A variant is predicted to result in the amino acid substitution p.Ala1521Thr. To our knowledge, this variant has not been reported in the literature. This variant is reported in 0.011% of alleles in individuals of Latino descent in gnomAD. At this time, the clinical significance of this variant is uncertain due to the absence of conclusive functional and genetic evidence.